The following is an entry in ClinVar:

ClinVar aggregate classification (germline): Uncertain significance (1 of 4 stars; one submission).

Conditions:
Cardiovascular phenotype. Identifiers: MedGen CN230736.

Allele frequency attached by ClinVar (database versions not stated): gnomAD 0.00001.
gnomAD v4.1: 4 of 1,556,064 alleles (0.00026%); highest among the groups gnomAD compares: African/African-American, 0.0027%; no homozygotes.

Submission:

Ambry Genetics
Classification: Uncertain significance for Cardiovascular phenotype. Last evaluated: 2023-05-21. Review status: criteria provided, single submitter. Criteria: Ambry Variant Classification Scheme 2023. Collection method: clinical testing. Allele origin: germline.
Comment: The p.L792M variant (also known as c.2374C>A), located in coding exon 17 of the TRPM4 gene, results from a C to A substitution at nucleotide position 2374. The leucine at codon 792 is replaced by methionine, an amino acid with highly similar properties. This amino acid position is conserved. In addition, this alteration is predicted to be tolerated by in silico analysis. Since supporting evidence is limited at this time, the clinical significance of this alteration remains unclear.

NM_017636.4(TRPM4):c.2374C>A (p.Leu792Met)

Gene: TRPM4 (transient receptor potential cation channel subfamily M member 4; plus strand). Cytogenetic location: 19q13.33.
Variant type: single nucleotide variant.
Coding change: c.2374C>A on transcript NM_017636.4 (MANE Select); coding-DNA position 2374, C replaced by A.
Protein change: p.Leu792Met; replaces leucine 792 with methionine.
Molecular consequence: missense variant. On other transcripts: intron variant (1).
Genome position (GRCh38, 1-based): chr19:49,196,603, C>A. VCF-style: chr19-49196603-C-A. GRCh37 (hg19) VCF-style: chr19-49699860-C-A.
Other names: c.2029C>A, p.Leu677Met (NM_001321281.2); c.766C>A, p.Leu256Met (NM_001321282.2); c.1852C>A, p.Leu618Met (NM_001321283.2); c.1312C>A, p.Leu438Met (NM_001321285.2); c.2211-3697C>A (NM_001195227.2); short protein forms L438M, L677M, L792M, L256M, L618M.
Identifiers: ClinVar variation 2560503 (VCV002560503.2), dbSNP rs1968651807, ClinGen allele CA406809057.